The following is an entry in ClinVar:

NM_001256545.2(MEGF10):c.2729-279C>A

Gene: MEGF10 (multiple EGF like domains 10; plus strand). Cytogenetic location: 5q23.2.
Variant type: single nucleotide variant.
Coding change: c.2729-279C>A on transcript NM_001256545.2 (MANE Select); 279 bases into the intron before coding-DNA position 2729, C replaced by A.
Molecular consequence: intron variant.
Genome position (GRCh38, 1-based): chr5:127,447,278, C>A. VCF-style: chr5-127447278-C-A. GRCh37 (hg19) VCF-style: chr5-126782970-C-A.
Other names: c.2729-279C>A (NM_032446.3).
Identifiers: ClinVar variation 668924 (VCV000668924.1), dbSNP rs2003863, ClinGen allele CA12122299.

ClinVar aggregate classification (germline): Likely benign (1 of 4 stars; one submission).

Allele frequency attached by ClinVar (database versions not stated): 1000 Genomes Project 0.00859; 1000 Genomes Project 30x 0.00968.
gnomAD v4.1: 3,569 of 152,162 alleles (2.3%); highest among the groups gnomAD compares: Non-Finnish European, 3.9%; 70 homozygotes.

Submission:

GeneDx
Classification: Likely benign. Last evaluated: 2018-06-16. Review status: criteria provided, single submitter. Criteria: GeneDx Variant Classification (06012015). Collection method: clinical testing. Allele origin: germline. Affected: yes.
Comment: This variant is considered likely benign or benign based on one or more of the following criteria: it is a conservative change, it occurs at a poorly conserved position in the protein, it is predicted to be benign by multiple in silico algorithms, and/or has population frequency not consistent with disease.